The following is an entry in ClinVar:

NM_005359.6(SMAD4):c.1377T>C (p.Ala459=)

Gene: SMAD4 (SMAD family member 4; plus strand). Cytogenetic location: 18q21.2.
Variant type: single nucleotide variant.
Coding change: c.1377T>C on transcript NM_005359.6 (MANE Select); coding-DNA position 1377, T replaced by C.
Protein change: p.Ala459=; no amino-acid change (alanine 459 retained).
Molecular consequence: synonymous variant. On other transcripts: non-coding transcript variant (1).
Genome position (GRCh38, 1-based): chr18:51,076,706, T>C. VCF-style: chr18-51076706-T-C. GRCh37 (hg19) VCF-style: chr18-48603076-T-C.
Other names: c.1377T>C, p.Ala459= (NM_001407041.1, NM_001407042.1).
Identifiers: ClinVar variation 3903685 (VCV003903685.1).

ClinVar aggregate classification (germline): Benign (1 of 4 stars; one submission).

Conditions:
Juvenile polyposis/hereditary hemorrhagic telangiectasia syndrome (JPHT). Also called: JP/HHT SYNDROME; JUVENILE POLYPOSIS WITH HEREDITARY HEMORRHAGIC TELANGIECTASIA; POLYPOSIS, GENERALIZED JUVENILE, WITH PULMONARY ARTERIOVENOUS MALFORMATION; TELANGIECTASIA, HEREDITARY HEMORRHAGIC, WITH JUVENILE POLYPOSIS COLI; Juvenile Polyposis Syndrome / Hereditary Hemorrhagic Telangiectasia (JPS/HHT). Identifiers: Orphanet 2929, MedGen C1832942, MONDO:0008278, OMIM 175050.

Submission:

Myriad Genetics, Inc.
Classification: Benign for Juvenile polyposis/hereditary hemorrhagic telangiectasia syndrome. Last evaluated: 2025-03-24. Review status: criteria provided, single submitter. Criteria: Myriad Autosomal Dominant, Autosomal Recessive and X-Linked Classification Criteria (2023). Collection method: clinical testing. Allele origin: unknown.
Comment: This variant is considered benign. This variant is a silent/synonymous amino acid change and it is not expected to impact splicing.